The following is an entry in ClinVar:

NM_003000.3(SDHB):c.713T>C (p.Phe238Ser)

Gene: SDHB (succinate dehydrogenase complex iron sulfur subunit B; minus strand). Cytogenetic location: 1p36.13.
Variant type: single nucleotide variant.
Coding change: c.713T>C on transcript NM_003000.3 (MANE Select); coding-DNA position 713, T replaced by C.
Protein change: p.Phe238Ser; replaces phenylalanine 238 with serine.
Molecular consequence: missense variant.
Genome position (GRCh38, 1-based): chr1:17,022,660, A>G on the plus strand (T>C on the coding strand, the complement: SDHB is on the minus strand). VCF-style: chr1-17022660-A-G. GRCh37 (hg19) VCF-style: chr1-17349155-A-G.
Other names: short protein forms F238S.
Identifiers: ClinVar variation 486420 (VCV000486420.13), dbSNP rs1553177279, ClinGen allele CA338270254.

ClinVar aggregate classification (germline): Uncertain significance. Review status: criteria provided, multiple submitters, no conflicts (2 of 4 stars). 2 submissions from 2 submitters: Uncertain significance (2). Last evaluated 2025-10-29.

Conditions:
Pheochromocytoma/paraganglioma syndrome 4. Also called: SDHB-Related Hereditary Paraganglioma-Pheochromocytoma Syndrome (Paragangliomas 4); PARAGANGLIOMA, FAMILIAL MALIGNANT; PARAGANGLIOMAS, HEREDITARY EXTRAADRENAL; PHEOCHROMOCYTOMA, FAMILIAL EXTRAADRENAL; Paragangliomas 4; CAROTID BODY TUMORS AND MULTIPLE EXTRAADRENAL PHEOCHROMOCYTOMAS. Identifiers: Orphanet 29072, MedGen C1861848, MONDO:0007273, OMIM 115310.
Gastrointestinal stromal tumor. Also called: Gastrointestinal stroma tumor; Gastrointestinal stromal tumor, somatic. Identifiers: Orphanet 44890, MedGen C0238198, MeSH D046152, MONDO:0011719, OMIM 606764, HP:0100723.
Pheochromocytoma. Also called: MAX-Related Hereditary Paraganglioma-Pheochromocytoma Syndrome. Identifiers: Orphanet 29072, MedGen C0031511, MONDO:0008233, OMIM 171300, HP:0002666.
Hereditary cancer-predisposing syndrome. Also called: Tumor predisposition; Hereditary neoplastic syndrome; Hereditary Cancer Syndrome; Neoplastic Syndromes, Hereditary. Identifiers: Orphanet 140162, MedGen C0027672, MeSH D009386, MONDO:0015356.

Allele frequency attached by ClinVar (database versions not stated): gnomAD exomes below 0.00001; TOPMed 0.00001.
gnomAD v4.1: 1 of 1,613,942 alleles (0.000062%); highest among the groups gnomAD compares: Non-Finnish European, 0.000085%; no homozygotes.

Submissions (2):

Labcorp Genetics (formerly Invitae), Labcorp
Classification: Uncertain significance for Gastrointestinal stromal tumor; Pheochromocytoma/paraganglioma syndrome 4; Pheochromocytoma. Last evaluated: 2025-10-29. Review status: criteria provided, single submitter. Criteria: Invitae Variant Classification Sherloc (09022015). Collection method: clinical testing. Allele origin: germline.
Comment: This sequence change replaces phenylalanine, which is neutral and non-polar, with serine, which is neutral and polar, at codon 238 of the SDHB protein (p.Phe238Ser). This variant is not present in population databases (gnomAD no frequency). This missense change has been observed in individual(s) with pheochromocytoma or paraganglioma (PMID: 16314641). ClinVar contains an entry for this variant (Variation ID: 486420). Invitae Evidence Modeling of protein sequence and biophysical properties (such as structural, functional, and spatial information, amino acid conservation, physicochemical variation, residue mobility, and thermodynamic stability) indicates that this missense variant is not expected to disrupt SDHB protein function with a negative predictive value of 80%. In summary, the available evidence is currently insufficient to determine the role of this variant in disease. Therefore, it has been classified as a Variant of Uncertain Significance.

Ambry Genetics
Classification: Uncertain significance for Hereditary cancer-predisposing syndrome. Last evaluated: 2024-12-04. Review status: criteria provided, single submitter. Criteria: Ambry Variant Classification Scheme 2023. Collection method: clinical testing. Allele origin: germline.
Comment: The p.F238S variant (also known as c.713T>C), located in coding exon 7 of the SDHB gene, results from a T to C substitution at nucleotide position 713. The phenylalanine at codon 238 is replaced by serine, an amino acid with highly dissimilar properties. This amino acid position is highly conserved in available vertebrate species. In addition, this alteration is predicted to be deleterious by in silico analysis. Since supporting evidence is limited at this time, the clinical significance of this alteration remains unclear.

Literature cited by the submitters: PubMed 16314641 (cited by Labcorp Genetics (formerly Invitae), Labcorp).